The following is an entry in ClinVar:

ClinVar aggregate classification (germline): Likely benign. Review status: criteria provided, multiple submitters, no conflicts (2 of 4 stars). 3 submissions from 3 submitters: Likely benign (2). 1 of the submissions does not count toward it. Last evaluated 2025-02-09.

Conditions:
CREBBP-related disorder. Also called: CREBBP-related disorders; CREBBP-related condition.
Rubinstein-Taybi syndrome (RSTS). Identifiers: Orphanet 783, MedGen C0035934, MONDO:0019188.

Allele frequency attached by ClinVar (database versions not stated): gnomAD exomes 0.00002; TOPMed 0.00002; gnomAD 0.00005; ExAC 0.00007; 1000 Genomes Project 30x 0.00016; 1000 Genomes Project 0.00020.
gnomAD v4.1: 36 of 1,614,192 alleles (0.0022%); highest among the groups gnomAD compares: South Asian, 0.034%; no homozygotes.

Submissions (3):

Labcorp Genetics (formerly Invitae), Labcorp
Classification: Likely benign for Rubinstein-Taybi syndrome. Last evaluated: 2025-02-09. Review status: criteria provided, single submitter. Criteria: Invitae Variant Classification Sherloc (09022015). Collection method: clinical testing. Allele origin: germline.

Blueprint Genetics
Classification: Likely benign. Last evaluated: 2024-11-08. Review status: criteria provided, single submitter. Criteria: ACMG Guidelines, 2015. Collection method: clinical testing. Allele origin: germline.

PreventionGenetics, part of Exact Sciences
Classification: Likely benign for CREBBP-related condition. Last evaluated: 2023-07-07. Review status: no assertion criteria provided. Collection method: clinical testing. Allele origin: germline. Not counted in ClinVar's aggregate classification.
Comment: This variant is classified as likely benign based on ACMG/AMP sequence variant interpretation guidelines (Richards et al. 2015 PMID: 25741868, with internal and published modifications).

NM_004380.3(CREBBP):c.5487C>T (p.His1829=)

Gene: CREBBP (CREB binding lysine acetyltransferase; minus strand). Cytogenetic location: 16p13.3.
Variant type: single nucleotide variant.
Coding change: c.5487C>T on transcript NM_004380.3 (MANE Select); coding-DNA position 5487, C replaced by T.
Protein change: p.His1829=; no amino-acid change (histidine 1829 retained).
Molecular consequence: synonymous variant.
Genome position (GRCh38, 1-based): chr16:3,729,560, G>A on the plus strand (C>T on the coding strand, the complement: CREBBP is on the minus strand). VCF-style: chr16-3729560-G-A. GRCh37 (hg19) VCF-style: chr16-3779561-G-A.
Other names: c.5373C>T, p.His1791= (NM_001079846.1).
Identifiers: ClinVar variation 3034571 (VCV003034571.4), dbSNP rs565393831, ClinGen allele CA7869276.